The following is an entry in ClinVar:

ClinVar aggregate classification (germline): Uncertain significance (1 of 4 stars; one submission).

Conditions:
Malignant hyperthermia, susceptibility to, 1 (MHS1). Also called: RYR1-Related Malignant Hyperthermia Susceptibility; Anesthesia related hyperthermia; Malignant hyperpyrexia; Fulminating hyperpyrexia; Pharmacogenic myopathy; Malignant hyperthermia suceptibility 1. Identifiers: Orphanet 423, MedGen C2930980, MONDO:0007783, OMIM 145600.

Allele frequency attached by ClinVar (database versions not stated): gnomAD exomes below 0.00001.

Submission:

All of Us Research Program, National Institutes of Health
Classification: Uncertain significance for Malignant hyperthermia, susceptibility to, 1. Last evaluated: 2023-03-04. Review status: criteria provided, single submitter. Criteria: ACMG Guidelines, 2015. Collection method: clinical testing. Allele origin: germline. Inheritance: Autosomal dominant inheritance. Observed: 1 variant allele, 1 heterozygote.
Comment: This study involves interpretation of variants in research participants for the purpose of population health screening. Participant phenotype was not available at the time of variant classification. Additional details can be found in publication PMID: 35346344, PMCID: PMC8962531

NM_000540.3(RYR1):c.14630_14637del (p.Cys4877fs)

Gene: RYR1 (ryanodine receptor 1; plus strand). Cytogenetic location: 19q13.2.
Variant type: Deletion.
Coding change: c.14630_14637del on transcript NM_000540.3 (MANE Select); coding-DNA positions 14630 to 14637, 8 bases deleted (GTGATGAC; older notation c.14630_14637delGTGATGAC).
Protein change: p.Cys4877fs; shifts the reading frame from cysteine 4877.
Molecular consequence: frameshift variant.
Genome position (GRCh38, 1-based): chr19:38,580,488-38,580,495, GTGATGAC deleted. VCF-style (leftmost placement, unchanged base first): chr19-38580487-TGTGATGAC-T. GRCh37 (hg19) VCF-style: chr19-39071127-TGTGATGAC-T.
Other names: c.14615_14622del, p.Cys4872fs (NM_001042723.2); short protein forms C4872fs, C4877fs.
Identifiers: ClinVar variation 3069451 (VCV003069451.1), dbSNP rs2514752689, ClinGen allele CA2584911308.
Genomic context (GRCh38, chr19:38,580,487, plus strand): 5'-TTCAACTTCTTCCGCAAGTTCTACAACAAGAGCGAGGATGAGGATGAACCTGACATGAAG[TGTGATGAC>T]ATGATGACGGTGAGCCCCTCCCCTAGCACTCTGGGACCCTTCCTTCTCGCATCTGTTGAA-3'